The following is an entry in ClinVar:

NM_015915.5(ATL1):c.1246C>T (p.Arg416Cys)

Gene: ATL1 (atlastin GTPase 1; plus strand). Cytogenetic location: 14q22.1.
Variant type: single nucleotide variant.
Coding change: c.1246C>T on transcript NM_015915.5 (MANE Select); coding-DNA position 1246, C replaced by T.
Protein change: p.Arg416Cys; replaces arginine 416 with cysteine.
Molecular consequence: missense variant.
Genome position (GRCh38, 1-based): chr14:50,628,157, C>T. VCF-style: chr14-50628157-C-T. GRCh37 (hg19) VCF-style: chr14-51094875-C-T.
Other names: c.1246C>T, p.Arg416Cys (NM_001127713.1, NM_181598.4); short protein forms R416C.
Identifiers: ClinVar variation 30582 (VCV000030582.24), dbSNP rs387906941, ClinGen allele CA259834.

ClinVar aggregate classification (germline): Pathogenic/Likely pathogenic. Review status: criteria provided, multiple submitters, no conflicts (2 of 4 stars). 11 submissions from 11 submitters: Pathogenic (5); Likely pathogenic (3). 3 of the submissions do not count toward it. Last evaluated 2025-08-28.

Conditions:
ATL1-related disorder. Also called: ATL1-related condition.
Inborn genetic diseases. Identifiers: MedGen C0950123, MeSH D030342.
Hereditary spastic paraplegia 3A (SPG3A). Also called: Spastic Paraplegia 3A; Spastic paraplegia 3A, autosomal dominant; SPASTIC PARAPLEGIA 3, AUTOSOMAL DOMINANT; FAMILIAL SPASTIC PARAPLEGIA, AUTOSOMAL DOMINANT, 1; SPG3; STRUMPELL DISEASE. Identifiers: Orphanet 100984, MedGen C2931355, MONDO:0008437, OMIM 182600.
Neuropathy, hereditary sensory, type 1D. Identifiers: Orphanet 36386, MedGen C3150972, MONDO:0013381, OMIM 613708.
Hereditary spastic paraplegia. Also called: Familial spastic paraparesis. Identifiers: Orphanet 685, MedGen C0037773, MONDO:0019064. Disease mechanism: loss of function.

Allele frequency attached by ClinVar (database versions not stated): ExAC 0.00001; gnomAD exomes 0.00001; TOPMed below 0.00001.
gnomAD v4.1: 9 of 1,614,150 alleles (0.00056%); highest among the groups gnomAD compares: East Asian, 0.0022%; no homozygotes.

Submissions (11):

Variantyx, Inc.
Classification: Likely pathogenic for Hereditary spastic paraplegia 3A. Last evaluated: 2025-08-28. Review status: criteria provided, single submitter. Criteria: Variantyx Assertion Criteria 2022. Collection method: clinical testing. Allele origin: germline. Inheritance: Autosomal dominant inheritance. Affected: yes.
Comment: This is a nonsynonymous variant in the ATL1 gene (OMIM: 606439). Pathogenic variants in this gene have been associated with autosomal dominant spastic paraplegia 3A. This variant has been reported in at least three individuals with spastic paraplegia (PMID: 21336785, 22581552, 29980238) (PS4), and it has been observed to segregate with disease in at least ten individuals from two families (PMID: 21336785, 22581552) (PP1). This variant lies within a known hotspot for pathogenic variants or a well-established critical functional domain of the ATL1 protein (PMID: 17502470, 24451228, 28396731) (PM1), and it has a 0.0025% maximum allele frequency in non-founder control populations (PM2). Based on the current evidence, this variant is classified as likely pathogenic for autosomal dominant spastic paraplegia 3A.Inheritance from an unaffected parent or a parent with unknown affected status has been reported, consistent with incomplete penetrance (PMID: 15596607, 29980238).

Department of Paediatrics at Addenbrookes, Cambridge University Hospitals NHS Foundation Trust (UK)
Classification: Pathogenic for Hereditary spastic paraplegia 3A. Last evaluated: 2025-05-27. Review status: criteria provided, single submitter. Criteria: Durkie Uk Practice Guidelines For Variant Classification V12 2024 (1). Collection method: clinical testing. Allele origin: unknown.
Comment: PS4_Strong; PP1_Strong; PM1_Moderate

Labcorp Genetics (formerly Invitae), Labcorp
Classification: Pathogenic for Hereditary spastic paraplegia 3A. Last evaluated: 2024-11-13. Review status: criteria provided, single submitter. Criteria: Invitae Variant Classification Sherloc (09022015). Collection method: clinical testing. Allele origin: germline.
Comment: This sequence change replaces arginine, which is basic and polar, with cysteine, which is neutral and slightly polar, at codon 416 of the ATL1 protein (p.Arg416Cys). This variant is present in population databases (rs387906941, gnomAD 0.006%). This missense change has been observed in individuals with autosomal dominant hereditary spastic paraplegia (PMID: 21336785, 22581552, 29980238). It has also been observed to segregate with disease in related individuals. ClinVar contains an entry for this variant (Variation ID: 30582). Invitae Evidence Modeling of protein sequence and biophysical properties (such as structural, functional, and spatial information, amino acid conservation, physicochemical variation, residue mobility, and thermodynamic stability) has been performed for this missense variant. However, the output from this modeling did not meet the statistical confidence thresholds required to predict the impact of this variant on ATL1 protein function. For these reasons, this variant has been classified as Pathogenic.

Blueprint Genetics
Classification: Pathogenic for ATL1-related disorders. Last evaluated: 2023-12-01. Review status: criteria provided, single submitter. Criteria: ACMG Guidelines, 2015. Collection method: clinical testing. Allele origin: germline. Affected: yes. Observed: 3 variant alleles.

Ambry Genetics
Classification: Likely pathogenic for Inborn genetic diseases. Last evaluated: 2022-10-18. Review status: criteria provided, single submitter. Criteria: Ambry Variant Classification Scheme 2023. Collection method: clinical testing. Allele origin: germline.
Comment: The c.1246C>T (p.R416C) alteration is located in exon 12 (coding exon 12) of the ATL1 gene. This alteration results from a C to T substitution at nucleotide position 1246, causing the arginine (R) at amino acid position 416 to be replaced by a cysteine (C). Based on the available evidence, the ATL1 c.1246C>T (p.R416C) alteration is classified as likely pathogenic for ATL1-related spastic paraplegia; however, its clinical significance for hereditary sensory neuropathy type ID is unclear. Based on data from gnomAD, the T allele has an overall frequency of 0.001% (2/251296) total alleles studied. The highest observed frequency was 0.005% (1/18386) of East Asian alleles. This variant has been detected in multiple individuals with hereditary spastic paraplegia in the heterozygous state (Lu, 2018; Zhao, 2019; Chen, 2019; Yan, 2019). In addition, this alteration was shown to segregate with disease in multiple individuals from three families who have clinical features consistent with hereditary spastic paraplegia (Orlacchio, 2011; Magariello, 2012; Luo, 2014). This amino acid position is highly conserved in available vertebrate species. Based on internal structural analysis, p.R416C is negligibly destabilizing to the ATL1 Middle domain and does not disrupt any known motifs or interaction interfaces (Byrnes, 2013; Kelly, 2021; Kelly, 2022). The in silico prediction for this alteration is inconclusive. Based on the available evidence, this alteration is classified as likely pathogenic.

GeneDx
Classification: Pathogenic. Last evaluated: 2022-09-20. Review status: criteria provided, single submitter. Criteria: GeneDx Variant Classification Process June 2021. Collection method: clinical testing. Allele origin: germline. Affected: yes.
Comment: Not observed at a significant frequency in large population cohorts (gnomAD); In silico analysis, which includes protein predictors and evolutionary conservation, supports a deleterious effect; This variant is associated with the following publications: (PMID: 25341883, 29980238, 30780198, 28396731, 31227335, 31630374, 22581552, 21336785)

Provincial Medical Genetics Program of British Columbia, University of British Columbia
Classification: Pathogenic for Hereditary spastic paraplegia 3A. Last evaluated: 2022-01-01. Review status: criteria provided, single submitter. Criteria: ACMG Guidelines, 2015. Collection method: clinical testing. Allele origin: paternal. Affected: yes.

Genome Diagnostics Laboratory, The Hospital for Sick Children
Classification: Likely pathogenic for Hereditary spastic paraplegia. Last evaluated: 2017-03-17. Review status: criteria provided, single submitter. Criteria: ACMG Guidelines, 2015. Collection method: clinical testing. Allele origin: germline. Affected: yes.

Solve-RD Consortium
Classification: Likely pathogenic for Neuropathy, hereditary sensory, type 1D. Last evaluated: 2022-06-01. Review status: no assertion criteria provided. Collection method: provider interpretation. Allele origin: inherited. Affected: yes. Not counted in ClinVar's aggregate classification.
Comment: Variant confirmed as disease-causing by referring clinical team

Variant identified during reanalysis of unsolved cases by the Solve-RD project. The Solve-RD project has received funding from the European Union’s Horizon 2020 research and innovation programme under grant agreement No 779257.

OMIM
Classification: Pathogenic for SPASTIC PARAPLEGIA 3, AUTOSOMAL DOMINANT. Last evaluated: 2011-07-01. Review status: no assertion criteria provided. Collection method: literature only. Allele origin: germline. Not counted in ClinVar's aggregate classification.

Revvity Omics, Revvity
Classification: Uncertain significance. Last evaluated: 2024-05-23. Review status: flagged submission. Criteria: ACMG Guidelines, 2015. Collection method: clinical testing. Allele origin: germline. Not counted in ClinVar's aggregate classification.
ClinVar note: Reason: Outlier claim with insufficient supporting evidence

Literature cited by the submitters: PubMed 21336785 (cited by 4 submitters); PubMed 22581552 (cited by 3 submitters); PubMed 29980238 (cited by Variantyx, Inc. and Labcorp Genetics (formerly Invitae), Labcorp); PubMed 23334294 (cited by Ambry Genetics); PubMed 25341883 (cited by Ambry Genetics); PubMed 29934652 (cited by Ambry Genetics); PubMed 30780198 (cited by Ambry Genetics); PubMed 31227335 (cited by Ambry Genetics); PubMed 31630374 (cited by Ambry Genetics); PubMed 34546351 (cited by Ambry Genetics); PubMed 34808209 (cited by Ambry Genetics); PubMed 39825153 (cited by Solve-RD Consortium).